The following is an entry in ClinVar:

NM_033549.5(TRIM41):c.1653C>T (p.Cys551=)

Gene: TRIM41 (tripartite motif containing 41; plus strand). Cytogenetic location: 5q35.3.
Variant type: single nucleotide variant.
Coding change: c.1653C>T on transcript NM_033549.5 (MANE Select); coding-DNA position 1653, C replaced by T.
Protein change: p.Cys551=; no amino-acid change (cysteine 551 retained).
Molecular consequence: synonymous variant. On other transcripts: intron variant (1).
Genome position (GRCh38, 1-based): chr5:181,234,535, C>T. VCF-style: chr5-181234535-C-T. GRCh37 (hg19) VCF-style: chr5-180661535-C-T.
Other names: c.1467+186C>T (NM_201627.3).
Identifiers: ClinVar variation 2656162 (VCV002656162.24), dbSNP rs139789390, ClinGen allele CA3611059.

ClinVar aggregate classification (germline): Likely benign (1 of 4 stars; one submission).

Allele frequency attached by ClinVar (database versions not stated): gnomAD exomes 0.00038; ExAC 0.00122; ESP Exome Variant Server 0.00223; gnomAD 0.00287; TOPMed 0.00340; 1000 Genomes Project 0.00379; 1000 Genomes Project 30x 0.00406.

Submission:

CeGaT Center for Human Genetics Tuebingen
Classification: Likely benign. Last evaluated: 2022-10-01. Review status: criteria provided, single submitter. Criteria: CeGaT Center For Human Genetics Tuebingen Variant Classification Criteria Version 2. Collection method: clinical testing. Allele origin: germline. Affected: yes. Observed: 1 variant allele.
Comment: TRIM41: BP4, BP7